The following is an entry in ClinVar:

ClinVar aggregate classification (germline): Uncertain significance (1 of 4 stars; one submission).

Conditions:
Cardiomyopathy (CMYO). Also called: Cardiomyopathies. Identifiers: Orphanet 167848, MedGen C0878544, MONDO:0004994, HP:0001638. Inheritance: Various modes of inheritance.

Allele frequency attached by ClinVar (database versions not stated): gnomAD exomes below 0.00001.

Submission:

Color Diagnostics, LLC DBA Color Health
Classification: Uncertain significance for Cardiomyopathy. Last evaluated: 2024-03-06. Review status: criteria provided, single submitter. Criteria: ACMG Guidelines, 2015. Collection method: clinical testing. Allele origin: germline.
Comment: This missense variant replaces alanine with glycine at codon 938 of the MYBPC3 protein. Computational prediction suggests that this variant may not impact protein structure and function (internally defined REVEL score threshold <= 0.5, PMID: 27666373). Splice site prediction tools suggest that this variant may not impact RNA splicing. To our knowledge, functional studies have not been performed for this variant. This variant has not been reported in individuals affected with cardiovascular disorders in the literature. This variant has been identified in 1/246978 chromosomes in the general population by the Genome Aggregation Database (gnomAD). The available evidence is insufficient to determine the role of this variant in disease conclusively. Therefore, this variant is classified as a Variant of Uncertain Significance.

NM_000256.3(MYBPC3):c.2813C>G (p.Ala938Gly)

Gene: MYBPC3 (myosin binding protein C3; minus strand). Cytogenetic location: 11p11.2.
Variant type: single nucleotide variant.
Coding change: c.2813C>G on transcript NM_000256.3 (MANE Select); coding-DNA position 2813, C replaced by G.
Protein change: p.Ala938Gly; replaces alanine 938 with glycine.
Molecular consequence: missense variant.
Genome position (GRCh38, 1-based): chr11:47,335,134, G>C on the plus strand (C>G on the coding strand, the complement: MYBPC3 is on the minus strand). VCF-style: chr11-47335134-G-C. GRCh37 (hg19) VCF-style: chr11-47356685-G-C.
Other names: short protein forms A938G.
Identifiers: ClinVar variation 923749 (VCV000923749.4), dbSNP rs1439755592, ClinGen allele CA380316410.